The following is an entry in ClinVar:

NM_004329.3(BMPR1A):c.1010C>T (p.Ser337Leu)

Gene: BMPR1A (bone morphogenetic protein receptor type 1A; plus strand). Cytogenetic location: 10q23.2.
Variant type: single nucleotide variant.
Coding change: c.1010C>T on transcript NM_004329.3 (MANE Select); coding-DNA position 1010, C replaced by T.
Protein change: p.Ser337Leu; replaces serine 337 with leucine.
Molecular consequence: missense variant.
Genome position (GRCh38, 1-based): chr10:86,919,313, C>T. VCF-style: chr10-86919313-C-T. GRCh37 (hg19) VCF-style: chr10-88679070-C-T.
Other names: short protein forms S337L.
Identifiers: ClinVar variation 490976 (VCV000490976.8), dbSNP rs1554891075, ClinGen allele CA377460554.
Genomic context (GRCh38, chr10:86,919,313, plus strand): 5'-TCTATGACTTCCTGAAATGTGCTACACTGGACACCAGAGCCCTGCTTAAATTGGCTTATT[C>T]AGCTGCCTGTGGTCTGTGCCACCTGCACACAGAAATTTATGGCACCCAAGGAAAGCCCGC-3'
Protein context (NP_004320.2, residues 327-347): DTRALLKLAY[Ser337Leu]AACGLCHLHT

ClinVar aggregate classification (germline): Uncertain significance. Review status: criteria provided, multiple submitters, no conflicts (2 of 4 stars). 2 submissions from 2 submitters: Uncertain significance (2). Last evaluated 2026-07-13.

Conditions:
Hereditary cancer-predisposing syndrome. Also called: Hereditary Cancer Syndrome; Tumor predisposition; Hereditary neoplastic syndrome; Neoplastic Syndromes, Hereditary. Identifiers: Orphanet 140162, MedGen C0027672, MeSH D009386, MONDO:0015356.

Submissions (2):

Ambry Genetics
Classification: Uncertain significance for Hereditary cancer-predisposing syndrome. Last evaluated: 2026-07-13. Review status: criteria provided, single submitter. Criteria: Ambry Variant Classification Scheme 2023. Collection method: clinical testing. Allele origin: germline.
Comment: The p.S337L variant (also known as c.1010C>T), located in coding exon 8 of the BMPR1A gene, results from a C to T substitution at nucleotide position 1010. The serine at codon 337 is replaced by leucine, an amino acid with dissimilar properties. This amino acid position is highly conserved in available vertebrate species. In addition, this alteration is predicted to be deleterious by in silico analysis. Based on the available evidence, the clinical significance of this variant remains unclear.

Color Diagnostics, LLC DBA Color Health
Classification: Uncertain significance for Hereditary cancer-predisposing syndrome. Last evaluated: 2019-12-14. Review status: criteria provided, single submitter. Criteria: ACMG Guidelines, 2015. Collection method: clinical testing. Allele origin: germline.
Comment: This missense variant replaces serine with leucine at codon 337 of the BMPR1A protein. Computational prediction suggests that this variant may have deleterious impact on protein structure and function (internally defined REVEL score threshold >= 0.7, PMID: 27666373). Splice site prediction tools suggest that this variant may not impact RNA splicing. To our knowledge, functional studies have not been performed for this variant. This variant has not been reported in individuals affected with hereditary cancer in the literature. This variant has not been identified in the general population by the Genome Aggregation Database (gnomAD). The available evidence is insufficient to determine the role of this variant in disease conclusively. Therefore, this variant is classified as a Variant of Uncertain Significance.